The following is an entry in ClinVar:

ClinVar aggregate classification (germline): Pathogenic (1 of 4 stars; one submission).

Conditions:
TWIST1-related craniosynostosis (CRS1). Also called: CRANIOSYNOSTOSIS 1. Identifiers: Orphanet 63440, MedGen C4551902, MONDO:0007399, OMIM 123100. Inheritance: Heterogenous inheritance pattern.
Saethre-Chotzen syndrome (SCS). Also called: ACROCEPHALY, SKULL ASYMMETRY, AND MILD SYNDACTYLY; ACS III; CHOTZEN SYNDROME. Identifiers: Orphanet 794, MedGen C0175699, MONDO:0007042, OMIM 101400.

Submission:

Labcorp Genetics (formerly Invitae), Labcorp
Classification: Pathogenic for TWIST1-related craniosynostosis; Saethre-Chotzen syndrome. Last evaluated: 2018-08-20. Review status: criteria provided, single submitter. Criteria: Invitae Variant Classification Sherloc (09022015). Collection method: clinical testing. Allele origin: germline.
Comment: For these reasons, this variant has been classified as Pathogenic. Loss-of-function variants in TWIST1 are known to be pathogenic (PMID: 10749989). This sequence change creates a premature translational stop signal (p.Arg26Serfs*102) in the TWIST1 gene. It is expected to result in an absent or disrupted protein product. The frequency data for this variant in the population databases is considered unreliable, as metrics indicate insufficient coverage at this position in the ExAC database. This variant has not been reported in the literature in individuals with TWIST1-related disease.

Literature cited by the submitters: PubMed 10749989.

NM_000474.4(TWIST1):c.68_75dup (p.Arg26fs)

Gene: TWIST1 (twist family bHLH transcription factor 1; minus strand). Cytogenetic location: 7p21.1.
Variant type: Duplication.
Coding change: c.68_75dup on transcript NM_000474.4 (MANE Select); coding-DNA positions 68 to 75, 8 bases duplicated (AGCCAGAC; older notation c.68_75dupAGCCAGAC).
Protein change: p.Arg26fs; shifts the reading frame from arginine 26.
Molecular consequence: frameshift variant. On other transcripts: non-coding transcript variant (1).
Genome position (GRCh38, 1-based): chr7:19,117,247-19,117,254, GTCTGGCT duplicated on the plus strand (AGCCAGAC on the coding strand, the reverse complement: TWIST1 is on the minus strand). VCF-style (leftmost placement, unchanged base first): chr7-19117246-G-GGTCTGGCT. GRCh37 (hg19) VCF-style: chr7-19156869-G-GGTCTGGCT.
Other names: short protein forms R26fs.
Identifiers: ClinVar variation 642695 (VCV000642695.7), dbSNP rs1585617865, ClinGen allele CA915944888.